The following is an entry in ClinVar:

NM_001378454.1(ALMS1):c.36GGA[14] (p.Glu28dup)

Gene: ALMS1 (ALMS1 centrosome and basal body associated protein; plus strand). Cytogenetic location: 2p13.1.
Variant type: Microsatellite.
Coding change: c.36GGA[14] on transcript NM_001378454.1 (MANE Select); 14 copies in a row of the 3-base unit GGA starting at c.36; the reference has 13 copies in a row; one copy, 3 bases duplicated; also written c.72_74dup.
Protein change: p.Glu28dup; duplicates glutamic acid 28.
Molecular consequence: inframe insertion.
Genome position (GRCh38, 1-based): chr2:73,385,940-73,385,942, GGA duplicated; duplicating any 3 consecutive bases within chr2:73,385,904-73,385,942 gives the same sequence; the position shown is the placement nearest the transcript's 3' end. VCF-style (leftmost placement, unchanged base first): chr2-73385903-T-TGGA. GRCh37 (hg19) VCF-style: chr2-73613031-T-TGGA.
Other names: c.72_74dupGGA (NM_001378454.1); c.36GGA[15], p.Glu29dup (NM_015120.4); c.72_74dup (NM_001378454.1).
Identifiers: ClinVar variation 1206378 (VCV001206378.7), dbSNP rs55889738, ClinGen allele CA325677.

ClinVar aggregate classification (germline): Benign. Review status: criteria provided, multiple submitters, no conflicts (2 of 4 stars). 8 submissions from 8 submitters: Benign (4). 4 of the submissions do not count toward it. Last evaluated 2025-02-16.

Conditions:
Alstrom syndrome (ALMS). Identifiers: Orphanet 64, MedGen C0268425, MONDO:0008763, OMIM 203800.
Breast neoplasm. Also called: Neoplasm of breast; Breast tumor; Neoplasm of the breast; Breast Neoplasms. Identifiers: MedGen C1458155, MeSH D001943, MONDO:0021100, HP:0100013. Disease mechanism: gain of function.

Submissions (8):

Laboratory of Genetics, Children's Clinical University Hospital Latvia
Classification: Benign. Last evaluated: 2025-02-16. Review status: criteria provided, single submitter. Criteria: ACMG Guidelines, 2015. Collection method: clinical testing. Allele origin: germline. Affected: yes.

Blueprint Genetics
Classification: Benign. Last evaluated: 2024-11-26. Review status: criteria provided, single submitter. Criteria: ACMG Guidelines, 2015. Collection method: clinical testing. Allele origin: germline.

Genomic Medicine Center of Excellence, King Faisal Specialist Hospital and Research Centre
Classification: Benign for Alstrom syndrome. Last evaluated: 2023-12-12. Review status: criteria provided, single submitter. Criteria: ACMG Guidelines, 2015. Collection method: research. Allele origin: germline.

Molecular Genetics, Royal Melbourne Hospital
Classification: Benign for Alstrom syndrome. Last evaluated: 2023-07-07. Review status: criteria provided, single submitter. Criteria: ACMG Guidelines, 2015. Collection method: clinical testing. Allele origin: germline. Inheritance: Autosomal recessive inheritance. Affected: no.

Hdge Lab, Department of Biotechnology, Mizoram University
Classification: VUS-low for Breast neoplasm. Last evaluated: 2026-08-15. Review status: no assertion criteria provided. Collection method: case-control. Allele origin: germline. Affected: yes. Observed: 28 variant alleles. Not counted in ClinVar's aggregate classification.
Comment: The variant was classified according to the ACMG/AMP guidelines (PMID:25741868). The variant NM_001378454.1:c.72_74dup is classified as a Variant of Uncertain Significance (VUS), low confidence. The variant is common in population databases, with an allele frequency of 35.38% (AC = 246,842; AN = 697,652) and has been observed in 15,294 homozygous individuals, providing substantial evidence against a highly penetrant breast cancer susceptibility effect. The variant is an in-frame 3-bp duplication located within a known polymorphic microsatellite region, supporting BP3. Conversely, the variant was observed in 28 of 49 breast cancer cases and 0 of 27 controls, demonstrating a significant association with breast cancer (OR = 72.907; 95% CI = 4.207-1263.402; adjusted p = 1.59 × 10-⁵), supporting PS4 at the appropriate strength. The marked discrepancy between the strong case-control association and the very high population frequency results in conflicting evidence. Given the predominance of population-based evidence against a highly penetrant pathogenic effect, but insufficient evidence to definitively establish a benign interpretation for breast cancer susceptibility, the variant is classified as VUS-Low, indicating a VUS with evidence directionally closer to benign.

Clinical Genetics DNA and cytogenetics Diagnostics Lab, Erasmus MC, Erasmus Medical Center
Classification: Benign. Review status: no assertion criteria provided. Collection method: clinical testing. Allele origin: germline. Affected: yes. Study: VKGL Data-share Consensus. Not counted in ClinVar's aggregate classification.

Genome Diagnostics Laboratory, University Medical Center Utrecht
Classification: Benign. Review status: no assertion criteria provided. Collection method: clinical testing. Allele origin: germline. Affected: yes. Study: VKGL Data-share Consensus. Not counted in ClinVar's aggregate classification.

Laboratory of Diagnostic Genome Analysis, Leiden University Medical Center (LUMC)
Classification: Likely benign. Review status: no assertion criteria provided. Collection method: clinical testing. Allele origin: germline. Affected: yes. Study: VKGL Data-share Consensus. Not counted in ClinVar's aggregate classification.